The following is an entry in ClinVar:

ClinVar aggregate classification (germline): Uncertain significance (1 of 4 stars; one submission).

Submission:

Ambry Genetics
Classification: Uncertain significance. Last evaluated: 2026-05-01. Review status: criteria provided, single submitter. Criteria: Ambry Variant Classification Scheme 2023. Collection method: clinical testing. Allele origin: germline.
Comment: The p.N196D variant (also known as c.586A>G), located in coding exon 1 of the TET2 gene, results from an A to G substitution at nucleotide position 586. The asparagine at codon 196 is replaced by aspartic acid, an amino acid with highly similar properties. This amino acid position is conserved. In addition, this alteration is predicted to be tolerated by in silico analysis. Based on the available evidence, the clinical significance of this variant remains unclear.

NM_001127208.3(TET2):c.586A>G (p.Asn196Asp)

Genes: TET2 (tet methylcytosine dioxygenase 2; plus strand), TET2-AS1 (TET2 antisense RNA 1; minus strand). Cytogenetic location: 4q24.
Variant type: single nucleotide variant.
Coding change: c.586A>G on transcript NM_001127208.3 (MANE Select); coding-DNA position 586, A replaced by G.
Protein change: p.Asn196Asp; replaces asparagine 196 with aspartic acid.
Molecular consequence: missense variant.
Genome position (GRCh38, 1-based): chr4:105,234,528, A>G. VCF-style: chr4-105234528-A-G. GRCh37 (hg19) VCF-style: chr4-106155685-A-G.
Other names: c.586A>G, p.Asn196Asp (NM_017628.4); short protein forms N196D.
Identifiers: ClinVar variation 4865563 (VCV004865563.1).
Genomic context (GRCh38, chr4:105,234,528, plus strand): 5'-AATCCAGAGCTTCAGATTCTGAATGAGCAGGAGGGGAAAAGTGCTAATTACCATGACAAG[A>G]ACATTGTATTACTTAAAAACAAGGCAGTGCTAATGCCTAATGGTGCTACAGTTTCTGCCT-3'
Protein context (NP_001120680.1, residues 186-206): EGKSANYHDK[Asn196Asp]IVLLKNKAVL